The following is an entry in ClinVar:

ClinVar aggregate classification (germline): Uncertain significance (1 of 4 stars; one submission).

Conditions:
ALMS1-related disorder. Also called: ALMS1-related condition.

Submission:

PreventionGenetics, part of Exact Sciences
Classification: Uncertain significance for ALMS1-related condition. Last evaluated: 2026-05-18. Review status: criteria provided, single submitter. Criteria: ACMG Guidelines, 2015. Collection method: clinical testing. Allele origin: germline.
Comment: The ALMS1 c.4853C>T variant is predicted to result in the amino acid substitution p.Ala1618Val. To our knowledge, this variant has not been reported in the literature. This variant is reported in 0.0065% of alleles in individuals of European (Non-Finnish) descent in gnomAD. At this time, the clinical significance of this variant is uncertain due to the absence of conclusive functional and genetic evidence.

NM_001378454.1(ALMS1):c.4850C>T (p.Ser1617Phe)

Gene: ALMS1 (ALMS1 centrosome and basal body associated protein; plus strand). Cytogenetic location: 2p13.1.
Variant type: single nucleotide variant.
Coding change: c.4850C>T on transcript NM_001378454.1 (MANE Select); coding-DNA position 4850, C replaced by T.
Protein change: p.Ser1617Phe; replaces serine 1617 with phenylalanine.
Molecular consequence: missense variant.
Genome position (GRCh38, 1-based): chr2:73,451,377, C>T. VCF-style: chr2-73451377-C-T. GRCh37 (hg19) VCF-style: chr2-73678504-C-T.
Other names: c.4853C>T, p.Ser1618Phe (NM_015120.4); short protein forms S1618F, S1617F.
Identifiers: ClinVar variation 4995408 (VCV004995408.1).
Genomic context (GRCh38, chr2:73,451,377, plus strand): 5'-TTTCCATTGTTTCTGGACCTACTGAAAAAAAGACTGACATACCAGCAGGACCTTTAGGTT[C>T]CAGTGCACTTGGAGAGAAGCCCATTACTTTCTACCGGCAGGCTCTGCTAGACAGTCCTCT-3'
Protein context (NP_001365383.1, residues 1607-1627): KTDIPAGPLG[Ser1617Phe]SALGEKPITF